The following is an entry in ClinVar:

ClinVar aggregate classification (germline): Benign/Likely benign. Review status: criteria provided, multiple submitters, no conflicts (2 of 4 stars). 3 submissions from 3 submitters: Benign (1); Likely benign (2). Last evaluated 2026-01-31.

Conditions:
Glycine encephalopathy. Also called: Nonketotic hyperglycinemia; Non-ketotic hyperglycinemia. Identifiers: Orphanet 407, MedGen C0751748, MONDO:0011612, HP:0008288.

Submissions (3):

Labcorp Genetics (formerly Invitae), Labcorp
Classification: Benign for Glycine encephalopathy. Last evaluated: 2026-01-31. Review status: criteria provided, single submitter. Criteria: Invitae Variant Classification Sherloc (09022015). Collection method: clinical testing. Allele origin: germline.

Blueprint Genetics
Classification: Likely benign. Last evaluated: 2024-09-13. Review status: criteria provided, single submitter. Criteria: ACMG Guidelines, 2015. Collection method: clinical testing. Allele origin: germline.

CeGaT Center for Human Genetics Tuebingen
Classification: Likely benign. Last evaluated: 2024-09-01. Review status: criteria provided, single submitter. Criteria: CeGaT Center For Human Genetics Tuebingen Variant Classification Criteria Version 2. Collection method: clinical testing. Allele origin: germline. Affected: yes. Observed: 2 variant alleles.
Comment: GLDC: BP4

NM_000170.3(GLDC):c.2316-6del

Gene: GLDC (glycine decarboxylase; minus strand). Cytogenetic location: 9p24.1.
Variant type: Deletion.
Coding change: c.2316-6del on transcript NM_000170.3 (MANE Select); 6 bases into the intron before coding-DNA position 2316, one base deleted (A; older notation c.2316-6delA).
Molecular consequence: intron variant.
Genome position (GRCh38, 1-based): chr9:6,553,515, T deleted on the plus strand (A on the coding strand, the reverse complement: GLDC is on the minus strand); the first of 8 consecutive T bases (chr9:6,553,515-6,553,522); deleting any one gives the same sequence. VCF-style (leftmost placement, unchanged base first): chr9-6553514-AT-A. GRCh37 (hg19) VCF-style: chr9-6553514-AT-A.
Other names: c.2316-6delA (NM_000170.2).
Identifiers: ClinVar variation 462870 (VCV000462870.41), dbSNP rs3215923, ClinGen allele CA4980265.